The following is an entry in ClinVar:

NM_004991.4(MECOM):c.2207G>A (p.Gly736Asp)

Gene: MECOM (MDS1 and EVI1 complex locus; minus strand). Cytogenetic location: 3q26.2.
Variant type: single nucleotide variant.
Coding change: c.2207G>A on transcript NM_004991.4 (MANE Select); coding-DNA position 2207, G replaced by A.
Protein change: p.Gly736Asp; replaces glycine 736 with aspartic acid.
Molecular consequence: missense variant.
Genome position (GRCh38, 1-based): chr3:169,115,665, C>T on the plus strand (G>A on the coding strand, the complement: MECOM is on the minus strand). VCF-style: chr3-169115665-C-T. GRCh37 (hg19) VCF-style: chr3-168833453-C-T.
Other names: c.1643G>A, p.Gly548Asp (NM_001366472.2, NM_005241.4, NM_001105078.4 and 4 more transcripts); c.1235G>A, p.Gly412Asp (NM_001366473.2); c.671G>A, p.Gly224Asp (NM_001366474.2); c.1646G>A, p.Gly549Asp (NM_001163999.2, NM_001366467.2, NM_001366468.2 and 1 more transcripts); c.2207G>A, p.Gly736Asp (NM_001366466.2); c.1838G>A, p.Gly613Asp (NM_001105077.4); short protein forms G549D, G224D, G412D, G613D, G548D, G736D.
Identifiers: ClinVar variation 3871664 (VCV003871664.2).
Genomic context (GRCh38, chr3:169,115,665, plus strand): 5'-GGAGTCAAGGGCTTCTCATCCTTTCGCTTAGTGGTGAGATCAAAGGGGGACTCAGAGCTG[C>T]CCTTCTGCAGTTTCTTTACTTCACCTGGTGATTGGGGTTCCATTTTCAAAGGTAACGATC-3'
Protein context (NP_004982.2, residues 726-746): SPGEVKKLQK[Gly736Asp]SSESPFDLTT

ClinVar aggregate classification (germline): Uncertain significance. Review status: criteria provided, multiple submitters, no conflicts (2 of 4 stars). 2 submissions from 2 submitters: Uncertain significance (2). Last evaluated 2025-06-16.

Conditions:
Inborn genetic diseases. Identifiers: MedGen C0950123, MeSH D030342.

gnomAD v4.1: 17 of 1,614,136 alleles (0.0011%); highest among the groups gnomAD compares: South Asian, 0.018%; no homozygotes.

Submissions (2):

Labcorp Genetics (formerly Invitae), Labcorp
Classification: Uncertain significance. Last evaluated: 2025-06-16. Review status: criteria provided, single submitter. Criteria: Invitae Variant Classification Sherloc (09022015). Collection method: clinical testing. Allele origin: germline.
Comment: This sequence change replaces glycine, which is neutral and non-polar, with aspartic acid, which is acidic and polar, at codon 548 of the MECOM protein (p.Gly548Asp). This variant is present in population databases (rs558610353, gnomAD 0.02%). This variant has not been reported in the literature in individuals affected with MECOM-related conditions. ClinVar contains an entry for this variant (Variation ID: 3871664). An algorithm developed to predict the effect of missense changes on protein structure and function (PolyPhen-2) suggests that this variant is likely to be tolerated. In summary, the available evidence is currently insufficient to determine the role of this variant in disease. Therefore, it has been classified as a Variant of Uncertain Significance.

Ambry Genetics
Classification: Uncertain significance for Inborn genetic diseases. Last evaluated: 2025-01-04. Review status: criteria provided, single submitter. Criteria: Ambry Variant Classification Scheme 2023. Collection method: clinical testing. Allele origin: germline.
Comment: The p.G736D variant (also known as c.2207G>A), located in coding exon 8 of the MECOM gene, results from a G to A substitution at nucleotide position 2207. The glycine at codon 736 is replaced by aspartic acid, an amino acid with similar properties. This amino acid position is conserved. In addition, this alteration is predicted to be tolerated by in silico analysis. Based on the available evidence, the clinical significance of this variant remains unclear.